The following is an entry in ClinVar:

NM_005120.3(MED12):c.566T>C (p.Ile189Thr)

Gene: MED12 (mediator complex subunit 12; plus strand). Cytogenetic location: Xq13.1.
Variant type: single nucleotide variant.
Coding change: c.566T>C on transcript NM_005120.3 (MANE Select); coding-DNA position 566, T replaced by C.
Protein change: p.Ile189Thr; replaces isoleucine 189 with threonine.
Molecular consequence: missense variant.
Genome position (GRCh38, 1-based): chrX:71,120,983, T>C. VCF-style: chrX-71120983-T-C. GRCh37 (hg19) VCF-style: chrX-70340833-T-C.
Other names: short protein forms I189T.
Identifiers: ClinVar variation 1748964 (VCV001748964.5), dbSNP rs957409664, ClinGen allele CA330975420.

ClinVar aggregate classification (germline): Uncertain significance. Review status: criteria provided, multiple submitters, no conflicts (2 of 4 stars). 2 submissions from 2 submitters: Uncertain significance (2). Last evaluated 2025-06-27.

Conditions:
FG syndrome (FGS). Identifiers: MedGen C0220769, MONDO:0002010.
Familial thoracic aortic aneurysm and aortic dissection (TAAD). Also called: Thoracic aortic aneurysms and dissections. Identifiers: Orphanet 91387, MedGen C4707243, MONDO:0019625.

Submissions (2):

Labcorp Genetics (formerly Invitae), Labcorp
Classification: Uncertain significance for FG syndrome. Last evaluated: 2025-06-27. Review status: criteria provided, single submitter. Criteria: Invitae Variant Classification Sherloc (09022015). Collection method: clinical testing. Allele origin: germline.
Comment: This sequence change replaces isoleucine, which is neutral and non-polar, with threonine, which is neutral and polar, at codon 189 of the MED12 protein (p.Ile189Thr). This variant is not present in population databases (gnomAD no frequency). This variant has not been reported in the literature in individuals affected with MED12-related conditions. ClinVar contains an entry for this variant (Variation ID: 1748964). Invitae Evidence Modeling of protein sequence and biophysical properties (such as structural, functional, and spatial information, amino acid conservation, physicochemical variation, residue mobility, and thermodynamic stability) indicates that this missense variant is not expected to disrupt MED12 protein function with a negative predictive value of 95%. In summary, the available evidence is currently insufficient to determine the role of this variant in disease. Therefore, it has been classified as a Variant of Uncertain Significance.

Ambry Genetics
Classification: Uncertain significance for Familial thoracic aortic aneurysm and aortic dissection. Last evaluated: 2021-10-16. Review status: criteria provided, single submitter. Criteria: Ambry Variant Classification Scheme 2023. Collection method: clinical testing. Allele origin: germline.
Comment: The p.I189T variant (also known as c.566T>C), located in coding exon 5 of the MED12 gene, results from a T to C substitution at nucleotide position 566. The isoleucine at codon 189 is replaced by threonine, an amino acid with similar properties. This amino acid position is conserved. In addition, the in silico prediction for this alteration is inconclusive. Since supporting evidence is limited at this time, the clinical significance of this alteration remains unclear.